The following is an entry in ClinVar:

NM_031475.3(ESPN):c.1870_1891delinsT (p.Ala624_Arg631delinsCys)

Gene: ESPN (espin; plus strand). Cytogenetic location: 1p36.31.
Variant type: Indel.
Coding change: c.1870_1891delinsT on transcript NM_031475.3 (MANE Select); coding-DNA positions 1870 to 1891, GCTGGCCCTGGCTGCGGGCAGC replaced by T.
Protein change: p.Ala624_Arg631delinsCys.
Molecular consequence: inframe indel.
Genome position (GRCh38, 1-based): chr1:6,449,046-6,449,067, GCTGGCCCTGGCTGCGGGCAGC replaced by T. VCF-style: chr1-6449046-GCTGGCCCTGGCTGCGGGCAGC-T. GRCh37 (hg19) VCF-style: chr1-6509106-GCTGGCCCTGGCTGCGGGCAGC-T.
Other names: c.1780_1801delinsT, p.Ala594_Arg601delinsCys (NM_001367473.1, NM_001367474.1).
Identifiers: ClinVar variation 1331614 (VCV001331614.4), dbSNP rs2148534054, ClinGen allele CA2573051608.

ClinVar aggregate classification (germline): Uncertain significance (1 of 4 stars; one submission).

Submission:

Greenwood Genetic Center Diagnostic Laboratories, Greenwood Genetic Center
Classification: Uncertain significance. Last evaluated: 2021-03-12. Review status: criteria provided, single submitter. Criteria: ACMG Guidelines, 2015. Collection method: clinical testing. Allele origin: germline. Affected: yes.
Comment: PM2, PM4